The following is an entry in ClinVar:

NM_144672.4(OTOA):c.1172C>T (p.Ser391Leu)

Gene: OTOA (otoancorin). Cytogenetic location: 16p12.2.
Variant type: single nucleotide variant.
Coding change: c.1172C>T on transcript NM_144672.4 (MANE Select); coding-DNA position 1172, C replaced by T.
Protein change: p.Ser391Leu; replaces serine 391 with leucine.
Molecular consequence: missense variant.
Genome position (GRCh38, 1-based): chr16:21,709,955, C>T. VCF-style: chr16-21709955-C-T. GRCh37 (hg19) VCF-style: chr16-21721276-C-T.
Other names: c.935C>T, p.Ser312Leu (NM_001161683.2); c.200C>T, p.Ser67Leu (NM_170664.3); short protein forms S391L, S312L, S67L.
Identifiers: ClinVar variation 179001 (VCV000179001.24), dbSNP rs727504599, ClinGen allele CA183465.

ClinVar aggregate classification (germline): Conflicting classifications of pathogenicity. Review status: criteria provided, conflicting classifications (1 of 4 stars). 8 submissions from 8 submitters: Likely pathogenic (2); Uncertain significance (6). Last evaluated 2026-01-01.

Conditions:
OTOA-related disorder. Also called: OTOA-related condition.
Autosomal recessive nonsyndromic hearing loss 22. Identifiers: Orphanet 90636, MedGen C1846896, MONDO:0011762, OMIM 607039.

Allele frequency attached by ClinVar (database versions not stated): ExAC 0.00001; TOPMed 0.00014.
gnomAD v4.1: 197 of 1,613,804 alleles (0.012%); highest among the groups gnomAD compares: Non-Finnish European, 0.015%; no homozygotes.

Submissions (8):

CeGaT Center for Human Genetics Tuebingen
Classification: Uncertain significance. Last evaluated: 2026-01-01. Review status: criteria provided, single submitter. Criteria: CeGaT Center For Human Genetics Tuebingen Variant Classification Criteria Version 2. Collection method: clinical testing. Allele origin: germline. Affected: yes. Observed: 1 variant allele.
Comment: OTOA: PM2, PM3

PreventionGenetics, part of Exact Sciences
Classification: Likely pathogenic for OTOA-related condition. Last evaluated: 2025-03-18. Review status: criteria provided, single submitter. Criteria: ACMG Guidelines, 2015. Collection method: clinical testing. Allele origin: germline.
Comment: The OTOA c.1172C>T variant is predicted to result in the amino acid substitution p.Ser391Leu. This variant has been reported as causative in an individual with hearing loss (Table e7, Carlson et al. 2023. PubMed ID: 36633841) and in the compound heterozygous state along with an OTOA whole gene deletion in another patient with hearing loss (Pan et al. 2022. PubMed ID: 35640668). This variant is reported in 0.0050% of alleles in individuals of East Asian descent in gnomAD. At PreventionGenetics, this variant has been detected in the hemizygous state along with a full gene OTOA deletion in three patients undergoing genetic testing for hearing loss (internal data). This variant is interpreted as likely pathogenic.

Labcorp Genetics (formerly Invitae), Labcorp
Classification: Uncertain significance. Last evaluated: 2025-01-23. Review status: criteria provided, single submitter. Criteria: Invitae Variant Classification Sherloc (09022015). Collection method: clinical testing. Allele origin: germline.
Comment: This sequence change replaces serine, which is neutral and polar, with leucine, which is neutral and non-polar, at codon 391 of the OTOA protein (p.Ser391Leu). This variant is present in population databases (rs727504599, gnomAD 0.005%). This missense change has been observed in individual(s) with clinical features of OTOA-related conditions (PMID: 36633841; internal data). ClinVar contains an entry for this variant (Variation ID: 179001). An algorithm developed to predict the effect of missense changes on protein structure and function (PolyPhen-2) suggests that this variant is likely to be disruptive. In summary, the available evidence is currently insufficient to determine the role of this variant in disease. Therefore, it has been classified as a Variant of Uncertain Significance.

Blueprint Genetics
Classification: Uncertain significance. Last evaluated: 2024-10-30. Review status: criteria provided, single submitter. Criteria: ACMG Guidelines, 2015. Collection method: clinical testing. Allele origin: germline.

King Laboratory, University of Washington
Classification: Likely pathogenic for Autosomal recessive nonsyndromic hearing loss 22. Last evaluated: 2023-02-28. Review status: criteria provided, single submitter. Criteria: Li et al. (Genet Med. 2022). Collection method: research. Allele origin: unknown. Affected: yes.
Comment: This variant occurred in compound heterozygosity with an OTOA frameshift variant in a patient with bilateral sensorineural hearing loss of onset <18 years, in a study of pediatric hearing loss conducted by the King Laboratory (Carlson RJ et al. JAMA-OtoHNS 2023). This patient’s family has no other history of hearing loss. This variant is a missense at a completely conserved site and is predicted to be damaging by multiple in-silico tools. As of January 2023, this variant has been reported to ClinVar as a variant of unknown significance and is found in 5 heterozygotes on gnomAD. Based on consistently predicted functional effect, compound heterozygosity with a loss-of-function variant, and goodness of fit of genotype to phenotype, we conclude that this variant is likely pathogenic.

Genetic Testing Center for Deafness, Department of Otolaryngology Head & Neck Surgery, Institute of Otolaryngology, Chinese PLA General Hospital
Classification: Uncertain significance for Autosomal recessive nonsyndromic hearing loss 22. Last evaluated: 2022-12-13. Review status: criteria provided, single submitter. Criteria: ClinGen HL ACMG Specifications v1. Collection method: clinical testing. Allele origin: unknown. Affected: yes. Observed: 1 variant allele.

GeneDx
Classification: Uncertain significance. Last evaluated: 2021-08-26. Review status: criteria provided, single submitter. Criteria: GeneDx Variant Classification Process June 2021. Collection method: clinical testing. Allele origin: germline. Affected: yes.
Comment: Reported as a variant identified in a cohort of patients with congenital hearing loss; proband-specific clinical and variant information not provided; Not observed at significant frequency in large population cohorts (Lek et al., 2016); In silico analysis supports that this missense variant has a deleterious effect on protein structure/function; This variant is associated with the following publications: (PMID: 34335733)

Laboratory for Molecular Medicine, Mass General Brigham Personalized Medicine
Classification: Uncertain significance. Last evaluated: 2013-05-22. Review status: criteria provided, single submitter. Criteria: LMM Criteria. Collection method: clinical testing. Allele origin: germline. Observed: 1 variant allele.
Comment: The Ser391Leu variant in the OTOA gene has not been reported in individuals with hearing loss or in large population studies. Computational analyses (biochemica l amino acid properties, conservation, AlignGVGD, PolyPhen2, and SIFT) suggest t hat the Ser391Leu variant may impact the protein, though this information is not predictive enough to determine pathogenicity. In summary, additional informatio n is needed to fully assess the clinical significance of the Ser391Leu variant.

Literature cited by the submitters: PubMed 36633841 (cited by Labcorp Genetics (formerly Invitae), Labcorp and King Laboratory, University of Washington).